The following is an entry in ClinVar:

NM_001130987.2(DYSF):c.5643-7T>G

Gene: DYSF (dysferlin; plus strand). Cytogenetic location: 2p13.2.
Variant type: single nucleotide variant.
Coding change: c.5643-7T>G on transcript NM_001130987.2 (MANE Select); 7 bases into the intron before coding-DNA position 5643, T replaced by G.
Molecular consequence: intron variant.
Genome position (GRCh38, 1-based): chr2:71,669,598, T>G. VCF-style: chr2-71669598-T-G. GRCh37 (hg19) VCF-style: chr2-71896728-T-G.
Other names: c.5619-7T>G (NM_001130979.2); c.5640-7T>G (NM_001130981.2); c.5577-7T>G (NM_001130980.2); c.5589-7T>G (NM_001130978.2); c.5526-7T>G (NM_003494.4); c.5547-7T>G (NM_001130977.2); c.5484-7T>G (NM_001130976.2); c.5622-7T>G (NM_001130982.2); and 5 more.
Identifiers: ClinVar variation 500214 (VCV000500214.5), dbSNP rs1553416025, ClinGen allele CA658795802.

ClinVar aggregate classification (germline): Likely pathogenic. Review status: reviewed by expert panel (3 of 4 stars). 2 submissions from 2 submitters: Likely pathogenic (1). 1 of the submissions does not count toward it. Last evaluated 2025-02-25.

Conditions:
Autosomal recessive limb-girdle muscular dystrophy. Identifiers: Orphanet 102015, MedGen C2931907, MONDO:0015152.

Submissions (2):

ClinGen Limb Girdle Muscular Dystrophy Variant Curation Expert Panel, ClinGen
Classification: Likely pathogenic for Autosomal recessive limb-girdle muscular dystrophy. Last evaluated: 2025-02-25. Review status: reviewed by expert panel. Criteria: ClinGen LGMD VCEP ACMG Specifications DYSF V1.0.0. Collection method: curation. Allele origin: germline. Inheritance: Autosomal recessive inheritance.
Comment: The NM_003494.4: c.5526-7T>G variant in DYSF, which is also known as NM_001130987.2: c.5643-7T>G, occurs within the splice acceptor region of intron 49. The SpliceAI score for this variant is 0.97 for loss of the essential splice acceptor and 0.99 for acceptor gain. RNAseq analysis has demonstrated that this variant results in activation of the predicted cryptic splice acceptor site, resulting in an inframe insertion of two amino acids to exon 50, p.Gly1842_Trp1843insSerSer (PMID: 36983702; PVS1_Moderate_RNA). This variant has been identified in a homozygous state in one patient with a clinical suspicion of LGMD (0.5 pts, PMID: 36983702, 30564623; PM3_Supporting). The homozygous patient with this variant was shown to have disease range dysferlin expression in blood monocytes, which is highly specific for DYSF-associated LGMD (PMID: 30564623, 36983702; PP4_Strong). While this individual was also homozygous for a synonymous variant in DYSF, NM_003494.4: c.2079C>T, a potential contribution of that variant was ruled out through RNAseq analysis. This variant is not present in gnomAD v4.1.0 (PM2_Supporting). In summary, this variant meets the criteria to be classified as Likely Pathogenic for autosomal recessive limb girdle muscular dystrophy based on the ACMG/AMP criteria applied, as specified by the ClinGen LGMD VCEP (LGMD VCEP specifications version 1.0.0; 02/25/2025): PVS1_Moderate_RNA, PM3_Supporting, PP4_Strong, PM2_Supporting.

Eurofins Ntd Llc (ga)
Classification: Uncertain significance. Last evaluated: 2017-01-31. Review status: criteria provided, single submitter. Criteria: EGL Classification Definitions 2015. Collection method: clinical testing. Allele origin: germline. Observed: 1 variant allele, 1 homozygote. Not counted in ClinVar's aggregate classification.